The following is an entry in ClinVar:

ClinVar aggregate classification (germline): Uncertain significance (1 of 4 stars; one submission).

Conditions:
Hereditary cancer-predisposing syndrome. Also called: Tumor predisposition; Hereditary neoplastic syndrome; Neoplastic Syndromes, Hereditary; Hereditary Cancer Syndrome. Identifiers: Orphanet 140162, MedGen C0027672, MeSH D009386, MONDO:0015356.

gnomAD v4.1: 1 of 1,614,000 alleles (0.000062%); highest among the groups gnomAD compares: South Asian, 0.0011%; no homozygotes.

Submission:

Ambry Genetics
Classification: Uncertain significance for Hereditary cancer-predisposing syndrome. Last evaluated: 2025-03-18. Review status: criteria provided, single submitter. Criteria: Ambry Variant Classification Scheme 2023. Collection method: clinical testing. Allele origin: germline.
Comment: The p.A355P variant (also known as c.1063G>C), located in coding exon 7 of the BRIP1 gene, results from a G to C substitution at nucleotide position 1063. The alanine at codon 355 is replaced by proline, an amino acid with highly similar properties. This amino acid position is conserved. In addition, this alteration is predicted to be deleterious by in silico analysis. Based on the available evidence, the clinical significance of this variant remains unclear.

NM_032043.3(BRIP1):c.1063G>C (p.Ala355Pro)

Gene: BRIP1 (BRCA1 interacting DNA helicase 1; minus strand). Cytogenetic location: 17q23.2.
Variant type: single nucleotide variant.
Coding change: c.1063G>C on transcript NM_032043.3 (MANE Select); coding-DNA position 1063, G replaced by C.
Protein change: p.Ala355Pro; replaces alanine 355 with proline.
Molecular consequence: missense variant.
Genome position (GRCh38, 1-based): chr17:61,801,330, C>G on the plus strand (G>C on the coding strand, the complement: BRIP1 is on the minus strand). VCF-style: chr17-61801330-C-G. GRCh37 (hg19) VCF-style: chr17-59878691-C-G.
Other names: short protein forms A355P.
Identifiers: ClinVar variation 3993124 (VCV003993124.1).